The following is an entry in ClinVar:

NM_012330.4(KAT6B):c.5304G>T (p.Gln1768His)

Gene: KAT6B (lysine acetyltransferase 6B; plus strand). Cytogenetic location: 10q22.2.
Variant type: single nucleotide variant.
Coding change: c.5304G>T on transcript NM_012330.4 (MANE Select); coding-DNA position 5304, G replaced by T.
Protein change: p.Gln1768His; replaces glutamine 1768 with histidine.
Molecular consequence: missense variant.
Genome position (GRCh38, 1-based): chr10:75,030,128, G>T. VCF-style: chr10-75030128-G-T. GRCh37 (hg19) VCF-style: chr10-76789886-G-T.
Other names: c.4755G>T, p.Gln1585His (NM_001256468.2, NM_001370138.1); c.4428G>T, p.Gln1476His (NM_001256469.2, NM_001370139.1, NM_001370140.1 and 2 more transcripts); c.4266G>T, p.Gln1422His (NM_001370132.1); c.3615G>T, p.Gln1205His (NM_001370133.1); c.3219G>T, p.Gln1073His (NM_001370134.1); c.2961G>T, p.Gln987His (NM_001370135.1); c.5304G>T, p.Gln1768His (NM_001370136.1, NM_001370137.1); c.4239G>T, p.Gln1413His (NM_001370143.1, NM_001370144.1); short protein forms Q1476H, Q987H, Q1413H, Q1073H, Q1205H, Q1422H, Q1585H, Q1768H.
Identifiers: ClinVar variation 2187551 (VCV002187551.5), dbSNP rs1329717155, ClinGen allele CA377300799.

ClinVar aggregate classification (germline): Uncertain significance. Review status: criteria provided, multiple submitters, no conflicts (2 of 4 stars). 2 submissions from 2 submitters: Uncertain significance (2). Last evaluated 2024-03-18.

Conditions:
Blepharophimosis - intellectual disability syndrome, SBBYS type (SBBYSS). Also called: Say-Barber-Biesecker variant of Ohdo syndrome (SBBYSS); Say-Barber-Biesecker-Young-Simpson variant of Ohdo Syndrome; Say-Barber-Biesecker Variant of Ohdo Syndrome; Young Simpson syndrome; Mental retardation unusual facies hypothyroidism; Ohdo syndrome, SBBYS variant. Identifiers: Orphanet 3047, MedGen C1863557, MONDO:0011365, OMIM 603736.
Genitopatellar syndrome (GTPTS). Also called: Genitopatellar syndrome (GPS); ABSENT PATELLAE, SCROTAL HYPOPLASIA, RENAL ANOMALIES, FACIAL DYSMORPHISM, AND MENTAL RETARDATION. Identifiers: Orphanet 85201, MedGen C1853566, MONDO:0011640, OMIM 606170.

Submissions (2):

Fulgent Genetics
Classification: Uncertain significance for Blepharophimosis - intellectual disability syndrome, SBBYS type; Genitopatellar syndrome. Last evaluated: 2024-03-18. Review status: criteria provided, single submitter. Criteria: ACMG Guidelines, 2015. Collection method: clinical testing. Allele origin: germline.

Labcorp Genetics (formerly Invitae), Labcorp
Classification: Uncertain significance for Genitopatellar syndrome. Last evaluated: 2022-07-01. Review status: criteria provided, single submitter. Criteria: Invitae Variant Classification Sherloc (09022015). Collection method: clinical testing. Allele origin: germline.
Comment: This variant is not present in population databases (gnomAD no frequency). This variant has not been reported in the literature in individuals affected with KAT6B-related conditions. Algorithms developed to predict the effect of missense changes on protein structure and function are either unavailable or do not agree on the potential impact of this missense change (SIFT: "Deleterious"; PolyPhen-2: "Benign"; Align-GVGD: "Class C0"). In summary, the available evidence is currently insufficient to determine the role of this variant in disease. Therefore, it has been classified as a Variant of Uncertain Significance. This sequence change replaces glutamine, which is neutral and polar, with histidine, which is basic and polar, at codon 1768 of the KAT6B protein (p.Gln1768His).